The following is an entry in ClinVar:

ClinVar aggregate classification (germline): Benign (1 of 4 stars; one submission).

Allele frequency attached by ClinVar (database versions not stated): gnomAD 0.01955 and 0.02077; TOPMed 0.02059; 1000 Genomes Project 0.02316; 1000 Genomes Project 30x 0.02577.
gnomAD v4.1: 2,948 of 152,214 alleles (1.9%); highest among the groups gnomAD compares: African/African-American, 6.6%; 101 homozygotes.

Submission:

GeneDx
Classification: Benign. Last evaluated: 2018-06-16. Review status: criteria provided, single submitter. Criteria: GeneDx Variant Classification (06012015). Collection method: clinical testing. Allele origin: germline. Affected: yes.
Comment: This variant is considered likely benign or benign based on one or more of the following criteria: it is a conservative change, it occurs at a poorly conserved position in the protein, it is predicted to be benign by multiple in silico algorithms, and/or has population frequency not consistent with disease.

NM_004369.4(COL6A3):c.6817-264G>A

Gene: COL6A3 (collagen type VI alpha 3 chain; minus strand). Cytogenetic location: 2q37.3.
Variant type: single nucleotide variant.
Coding change: c.6817-264G>A on transcript NM_004369.4 (MANE Select); 264 bases into the intron before coding-DNA position 6817, G replaced by A.
Molecular consequence: intron variant.
Genome position (GRCh38, 1-based): chr2:237,350,473, C>T on the plus strand (G>A on the coding strand, the complement: COL6A3 is on the minus strand). VCF-style: chr2-237350473-C-T. GRCh37 (hg19) VCF-style: chr2-238259116-C-T.
Other names: c.4996-264G>A (NM_057166.5); c.6199-264G>A (NM_057167.4).
Identifiers: ClinVar variation 673517 (VCV000673517.1), dbSNP rs10167181, ClinGen allele CA351210404.
Genomic context (GRCh38, chr2:237,350,473, plus strand): 5'-CAGCGTGGCATGGGGGACGGGCTGATGAGAAGAGAGAGTAACAACTGGGAGAAGAAGGCA[C>T]GGAAGGCGGTGGGCATTGAGCCCAGCATAAAACCCCAAAACACTCTCCAGGCAGAGACCA-3'